The following is an entry in ClinVar:

NM_002476.2(MYL4):c.137T>G (p.Ile46Arg)

Gene: MYL4 (myosin light chain 4; plus strand). Cytogenetic location: 17q21.32.
Variant type: single nucleotide variant.
Coding change: c.137T>G on transcript NM_002476.2 (MANE Select); coding-DNA position 137, T replaced by G.
Protein change: p.Ile46Arg; replaces isoleucine 46 with arginine.
Molecular consequence: missense variant.
Genome position (GRCh38, 1-based): chr17:47,213,800, T>G. VCF-style: chr17-47213800-T-G. GRCh37 (hg19) VCF-style: chr17-45291166-T-G.
Other names: c.137T>G (NM_001002841.1); c.137T>G, p.Ile46Arg (NM_001002841.2); short protein forms I46R.
Identifiers: ClinVar variation 1050366 (VCV001050366.7), dbSNP rs1335950112, ClinGen allele CA400032044.

ClinVar aggregate classification (germline): Uncertain significance. Review status: criteria provided, multiple submitters, no conflicts (2 of 4 stars). 3 submissions from 3 submitters: Uncertain significance (2). 1 of the submissions does not count toward it. Last evaluated 2024-05-01.

Conditions:
Atrial fibrillation, familial, 18 (ATFB18). Identifiers: MedGen C4310636, MONDO:0015001, OMIM 617280.

gnomAD v4.1: 16 of 1,613,980 alleles (0.00099%); highest among the groups gnomAD compares: Non-Finnish European, 0.0014%; no homozygotes.

Submissions (3):

Ambry Genetics
Classification: Uncertain significance. Last evaluated: 2024-05-01. Review status: criteria provided, single submitter. Criteria: Ambry Variant Classification Scheme 2023. Collection method: clinical testing. Allele origin: germline.

Labcorp Genetics (formerly Invitae), Labcorp
Classification: Uncertain significance for Atrial fibrillation, familial, 18. Last evaluated: 2024-02-17. Review status: criteria provided, single submitter. Criteria: Invitae Variant Classification Sherloc (09022015). Collection method: clinical testing. Allele origin: germline.
Comment: This sequence change replaces isoleucine, which is neutral and non-polar, with arginine, which is basic and polar, at codon 46 of the MYL4 protein (p.Ile46Arg). This variant is not present in population databases (gnomAD no frequency). This variant has not been reported in the literature in individuals affected with MYL4-related conditions. ClinVar contains an entry for this variant (Variation ID: 1050366). An algorithm developed to predict the effect of missense changes on protein structure and function (PolyPhen-2) suggests that this variant is likely to be disruptive. In summary, the available evidence is currently insufficient to determine the role of this variant in disease. Therefore, it has been classified as a Variant of Uncertain Significance.

Department of Pathology and Laboratory Medicine, Sinai Health System
Classification: Uncertain significance. Review status: no assertion criteria provided. Collection method: clinical testing. Allele origin: unknown. Affected: yes. Study: The Canadian Open Genetics Repository (COGR). Not counted in ClinVar's aggregate classification.
Comment: The MYL4 p.Ile46Arg variant was not identified in the literature nor was it identified in ClinVar, Cosmic or LOVD 3.0. The variant was identified in dbSNP (ID: rs1335950112) but was not identified in the following control databases: the 1000 Genomes Project, the NHLBI GO Exome Sequencing Project, the Exome Aggregation Consortium (August 8th 2016), or the Genome Aggregation Database (Feb 27, 2017). The p.Ile46 residue is conserved in mammals and computational analyses (PolyPhen-2, SIFT, AlignGVGD, BLOSUM, MutationTaster) provide inconsistent predictions regarding the impact to the protein; this information is not very predictive of pathogenicity. In silico or computational prediction software programs (SpliceSiteFinder, MaxEntScan, NNSPLICE, GeneSplicer) do not predict a greater than 10% difference in splicing. In summary, based on the above information the clinical significance of this variant cannot be determined with certainty at this time. This variant is classified as a variant of uncertain significance.